The following is an entry in ClinVar:

ClinVar aggregate classification (germline): Uncertain significance (1 of 4 stars; one submission).

Submission:

Labcorp Genetics (formerly Invitae), Labcorp
Classification: Uncertain significance. Last evaluated: 2024-07-03. Review status: criteria provided, single submitter. Criteria: Invitae Variant Classification Sherloc (09022015). Collection method: clinical testing. Allele origin: germline.
Comment: This sequence change replaces glycine, which is neutral and non-polar, with arginine, which is basic and polar, at codon 295 of the IGF1R protein (p.Gly295Arg). This variant is not present in population databases (gnomAD no frequency). This variant has not been reported in the literature in individuals affected with IGF1R-related conditions. Advanced modeling of protein sequence and biophysical properties (such as structural, functional, and spatial information, amino acid conservation, physicochemical variation, residue mobility, and thermodynamic stability) performed at Invitae indicates that this missense variant is not expected to disrupt IGF1R protein function with a negative predictive value of 80%. In summary, the available evidence is currently insufficient to determine the role of this variant in disease. Therefore, it has been classified as a Variant of Uncertain Significance.

NM_000875.5(IGF1R):c.883G>A (p.Gly295Arg)

Gene: IGF1R (insulin like growth factor 1 receptor; plus strand). Cytogenetic location: 15q26.3.
Variant type: single nucleotide variant.
Coding change: c.883G>A on transcript NM_000875.5 (MANE Select); coding-DNA position 883, G replaced by A.
Protein change: p.Gly295Arg; replaces glycine 295 with arginine.
Molecular consequence: missense variant.
Genome position (GRCh38, 1-based): chr15:98,891,567, G>A. VCF-style: chr15-98891567-G-A. GRCh37 (hg19) VCF-style: chr15-99434796-G-A.
Other names: c.883G>A, p.Gly295Arg (NM_001291858.2); short protein forms G295R.
Identifiers: ClinVar variation 3679185 (VCV003679185.2).